The following is an entry in ClinVar:

ClinVar aggregate classification (germline): Uncertain significance (1 of 4 stars; one submission).

Conditions:
Lopes-Maciel-Rodan syndrome (LOMARS). Identifiers: MedGen C4479491, MONDO:0054573, OMIM 617435.

Submission:

Baylor Genetics
Classification: Uncertain significance for Lopes-Maciel-Rodan syndrome. Last evaluated: 2020-10-27. Review status: criteria provided, single submitter. Criteria: ACMG Guidelines, 2015. Collection method: clinical testing. Allele origin: unknown. Affected: yes.
Comment: This variant was determined to be of uncertain significance according to ACMG Guidelines, 2015 [PMID:25741868].

NM_001388492.1(HTT):c.3671C>T (p.Ser1224Phe)

Gene: HTT (huntingtin; plus strand). Cytogenetic location: 4p16.3.
Variant type: single nucleotide variant.
Coding change: c.3671C>T on transcript NM_001388492.1 (MANE Select); coding-DNA position 3671, C replaced by T.
Protein change: p.Ser1224Phe; replaces serine 1224 with phenylalanine.
Molecular consequence: missense variant.
Genome position (GRCh38, 1-based): chr4:3,157,117, C>T. VCF-style: chr4-3157117-C-T. GRCh37 (hg19) VCF-style: chr4-3158844-C-T.
Other names: c.3677C>T, p.Ser1226Phe (NM_002111.8); short protein forms S1224F, S1226F.
Identifiers: ClinVar variation 1029558 (VCV001029558.1), dbSNP rs1717189753, ClinGen allele CA356101771.